The following is an entry in ClinVar:

NM_004656.4(BAP1):c.1110dup (p.Met371fs)

Gene: BAP1 (BRCA1 associated deubiquitinase 1; minus strand). Cytogenetic location: 3p21.1.
Variant type: Duplication.
Coding change: c.1110dup on transcript NM_004656.4 (MANE Select); coding-DNA position 1110, one base duplicated (C; older notation c.1110dupC).
Protein change: p.Met371fs; shifts the reading frame from methionine 371.
Molecular consequence: frameshift variant.
Genome position (GRCh38, 1-based): chr3:52,405,116, G duplicated on the plus strand (C on the coding strand, the reverse complement: BAP1 is on the minus strand); the first of 5 consecutive G bases (chr3:52,405,116-52,405,120); duplicating any one gives the same sequence. VCF-style (leftmost placement, unchanged base first): chr3-52405115-T-TG. GRCh37 (hg19) VCF-style: chr3-52439131-T-TG.
Other names: short protein forms M371fs.
Identifiers: ClinVar variation 640282 (VCV000640282.6), dbSNP rs1578223103, ClinGen allele CA915942494.
Genomic context (GRCh38, chr3:52,405,115, plus strand): 5'-TGCAGCCTCTCAAGAGAATCAAGTAGAGAATCCTGCAAGGGTGCTCCCAGCTTACCTGCA[T>TG]GGGGGACTTGGCATAATTGTGATTGTCTAGAAAGGCCGGCAGCCGCTGGACAATGGGAGT-3'

ClinVar aggregate classification (germline): Pathogenic (1 of 4 stars; one submission).

Conditions:
BAP1-related tumor predisposition syndrome (TPDS1). Also called: Tumor susceptibility linked to germline BAP1 mutations; COMMON Syndrome; TUMOR PREDISPOSITION SYNDROME 1; BAP1 tumor predisposition syndrome. Identifiers: Orphanet 289539, MedGen C3280492, MONDO:0013692, OMIM 614327.

Submission:

Labcorp Genetics (formerly Invitae), Labcorp
Classification: Pathogenic for BAP1-related tumor predisposition syndrome. Last evaluated: 2018-07-03. Review status: criteria provided, single submitter. Criteria: Invitae Variant Classification Sherloc (09022015). Collection method: clinical testing. Allele origin: germline.
Comment: For these reasons, this variant has been classified as Pathogenic. Loss-of-function variants in BAP1 are known to be pathogenic (PMID: 21874000, 23684012). This variant has not been reported in the literature in individuals with BAP1-related disease. This variant is not present in population databases (ExAC no frequency). This sequence change creates a premature translational stop signal (p.Met371Hisfs*27) in the BAP1 gene. It is expected to result in an absent or disrupted protein product.

Literature cited by the submitters: PubMed 21874000; PubMed 23684012.